The following is an entry in ClinVar:

ClinVar aggregate classification (germline): Conflicting classifications of pathogenicity. Review status: criteria provided, conflicting classifications (1 of 4 stars). 2 submissions from 2 submitters: Uncertain significance (1); Likely benign (1). Last evaluated 2025-08-05.

Conditions:
Hereditary spastic paraplegia 48. Also called: Spastic paraplegia 48; SPASTIC PARAPLEGIA 48, AUTOSOMAL RECESSIVE. Identifiers: Orphanet 306511, MedGen C3150901, MONDO:0013342, OMIM 613647.

gnomAD v4.1: 19 of 1,525,108 alleles (0.0012%); highest among the groups gnomAD compares: Admixed American, 0.012%; no homozygotes.

Submissions (2):

Labcorp Genetics (formerly Invitae), Labcorp
Classification: Likely benign for Hereditary spastic paraplegia 48. Last evaluated: 2025-08-05. Review status: criteria provided, single submitter. Criteria: Invitae Variant Classification Sherloc (09022015). Collection method: clinical testing. Allele origin: germline.

Athena Diagnostics
Classification: Uncertain significance. Last evaluated: 2023-12-19. Review status: criteria provided, single submitter. Criteria: Athena Diagnostics Criteria. Collection method: clinical testing. Allele origin: unknown.
Comment: Available data are insufficient to determine the clinical significance of the variant at this time. The frequency of this variant in the general population is uninformative in assessment of its pathogenicity. Computational tools yielded predictions that this variant is unlikely to have an effect on normal RNA splicing.

NM_014855.3(AP5Z1):c.1805+8C>G

Gene: AP5Z1 (adaptor related protein complex 5 subunit zeta 1; plus strand). Cytogenetic location: 7p22.1.
Variant type: single nucleotide variant.
Coding change: c.1805+8C>G on transcript NM_014855.3 (MANE Select); 8 bases into the intron after coding-DNA position 1805, C replaced by G.
Molecular consequence: intron variant.
Genome position (GRCh38, 1-based): chr7:4,789,937, C>G. VCF-style: chr7-4789937-C-G. GRCh37 (hg19) VCF-style: chr7-4829568-C-G.
Other names: c.1805+8C>G (NM_014855.2); c.1337+8C>G (NM_001364858.1).
Identifiers: ClinVar variation 2727833 (VCV002727833.4), dbSNP rs1422776122, ClinGen allele CA572434061.